The following is an entry in ClinVar:

ClinVar aggregate classification (germline): Benign (0 of 4 stars; one submission).

Conditions:
ACKR1-related disorder. Also called: ACKR1-related condition.

Allele frequency attached by ClinVar (database versions not stated): 1000 Genomes Project 30x 0.06699; 1000 Genomes Project 0.06889; TOPMed 0.10219; gnomAD 0.11357; ESP Exome Variant Server 0.12356; ExAC 0.12669.

Submission:

PreventionGenetics, part of Exact Sciences
Classification: Benign for ACKR1-related condition. Last evaluated: 2019-10-21. Review status: no assertion criteria provided. Collection method: clinical testing. Allele origin: germline.
Comment: This variant is classified as benign based on ACMG/AMP sequence variant interpretation guidelines (Richards et al. 2015 PMID: 25741868, with internal and published modifications).

NM_002036.4(ACKR1):c.298G>A (p.Ala100Thr)

Gene: ACKR1 (atypical chemokine receptor 1 (Duffy blood group); plus strand). Cytogenetic location: 1q23.2.
Variant type: single nucleotide variant.
Coding change: c.298G>A on transcript NM_002036.4 (MANE Select); coding-DNA position 298, G replaced by A.
Protein change: p.Ala100Thr; replaces alanine 100 with threonine.
Molecular consequence: missense variant.
Genome position (GRCh38, 1-based): chr1:159,205,737, G>A. VCF-style: chr1-159205737-G-A. GRCh37 (hg19) VCF-style: chr1-159175527-G-A.
Other names: c.304G>A, p.Ala102Thr (NM_001122951.3); short protein forms A100T, A102T.
Identifiers: ClinVar variation 3056036 (VCV003056036.2), dbSNP rs13962, ClinGen allele CA1187699.
Genomic context (GRCh38, chr1:159,205,737, plus strand): 5'-CTCTTCATGCTTTTCAGACCTCTCTTCCGCTGGCAGCTCTGCCCTGGCTGGCCTGTCCTG[G>A]CACAGCTGGCTGTGGGCAGTGCCCTCTTCAGCATTGTGGTGCCCGTCTTGGCCCCAGGGC-3'
Protein context (NP_002027.2, residues 90-110): WQLCPGWPVL[Ala100Thr]QLAVGSALFS